The following is an entry in ClinVar:

NM_025103.4(IFT74):c.283T>C (p.Ser95Pro)

Gene: IFT74 (intraflagellar transport 74; plus strand). Cytogenetic location: 9p21.2.
Variant type: single nucleotide variant.
Coding change: c.283T>C on transcript NM_025103.4 (MANE Select); coding-DNA position 283, T replaced by C.
Protein change: p.Ser95Pro; replaces serine 95 with proline.
Molecular consequence: missense variant.
Genome position (GRCh38, 1-based): chr9:26,980,597, T>C. VCF-style: chr9-26980597-T-C. GRCh37 (hg19) VCF-style: chr9-26980595-T-C.
Other names: c.283T>C, p.Ser95Pro (NM_001099222.3, NM_001099223.3, NM_001099224.3 and 1 more transcripts); short protein forms S95P.
Identifiers: ClinVar variation 2002444 (VCV002002444.4), dbSNP rs2489317568, ClinGen allele CA373124873.
Genomic context (GRCh38, chr9:26,980,597, plus strand): 5'-ACTGAACACTAACACTTAAAACATTTTTTTTTAGGTCCCCAGAGGCAAATTTTAGACAAA[T>C]CTTACTATCTTGGGCTTCTTAGGTATGTTAAACATATCTTTTCATCCGTATGTTTTACTC-3'
Protein context (NP_079379.2, residues 85-105): KGPQRQILDK[Ser95Pro]YYLGLLRSKI

ClinVar aggregate classification (germline): Uncertain significance (1 of 4 stars; one submission).

Submission:

Labcorp Genetics (formerly Invitae), Labcorp
Classification: Uncertain significance. Last evaluated: 2022-08-20. Review status: criteria provided, single submitter. Criteria: Invitae Variant Classification Sherloc (09022015). Collection method: clinical testing. Allele origin: germline.
Comment: This sequence change replaces serine, which is neutral and polar, with proline, which is neutral and non-polar, at codon 95 of the IFT74 protein (p.Ser95Pro). This variant is not present in population databases (gnomAD no frequency). This variant has not been reported in the literature in individuals affected with IFT74-related conditions. Algorithms developed to predict the effect of missense changes on protein structure and function are either unavailable or do not agree on the potential impact of this missense change (SIFT: "Deleterious"; PolyPhen-2: "Benign"; Align-GVGD: "Class C0"). In summary, the available evidence is currently insufficient to determine the role of this variant in disease. Therefore, it has been classified as a Variant of Uncertain Significance.